The following is an entry in ClinVar:

NM_003560.4(PLA2G6):c.1390G>C (p.Ala464Pro)

Gene: PLA2G6 (phospholipase A2 group VI; minus strand). Cytogenetic location: 22q13.1.
Variant type: single nucleotide variant.
Coding change: c.1390G>C on transcript NM_003560.4 (MANE Select); coding-DNA position 1390, G replaced by C.
Protein change: p.Ala464Pro; replaces alanine 464 with proline.
Molecular consequence: missense variant.
Genome position (GRCh38, 1-based): chr22:38,126,408, C>G on the plus strand (G>C on the coding strand, the complement: PLA2G6 is on the minus strand). VCF-style: chr22-38126408-C-G. GRCh37 (hg19) VCF-style: chr22-38522415-C-G.
Other names: c.1228G>C, p.Ala410Pro (NM_001004426.3, NM_001199562.3, NM_001349865.2 and 1 more transcripts); c.1390G>C, p.Ala464Pro (NM_001349864.2); c.856G>C, p.Ala286Pro (NM_001349867.2); c.712G>C, p.Ala238Pro (NM_001349868.2); c.694G>C, p.Ala232Pro (NM_001349869.2); short protein forms A286P, A232P, A238P, A464P, A410P.
Identifiers: ClinVar variation 1385453 (VCV001385453.6), dbSNP rs2145737973, ClinGen allele CA411529233.
Genomic context (GRCh38, chr22:38,126,408, plus strand): 5'-GCCCCCGATCTCGATCCACTTACGTCCGCTTCTCGTCCCTCATGGAGCCCAGGATGAACG[C>G]TGGCTTCCGGGCCCGTGAGATGTGCATGAGATCCTGTAGTTCTGTGAGGCACAGAGCAGG-3'
Protein context (NP_003551.2, residues 454-474): LMHISRARKP[Ala464Pro]FILGSMRDEK

ClinVar aggregate classification (germline): Uncertain significance (1 of 4 stars; one submission).

Conditions:
Infantile neuroaxonal dystrophy (NBIA2A). Also called: NEURODEGENERATION WITH BRAIN IRON ACCUMULATION 2A; SEITELBERGER DISEASE; Infantile neuroaxonal dystrophy 1. Identifiers: Orphanet 35069, MedGen C0270724, MONDO:0024457, OMIM 256600.

Allele frequency attached by ClinVar (database versions not stated): gnomAD exomes below 0.00001.
gnomAD v4.1: 1 of 1,613,802 alleles (0.000062%); highest among the groups gnomAD compares: Non-Finnish European, 0.000085%; no homozygotes.

Submission:

Labcorp Genetics (formerly Invitae), Labcorp
Classification: Uncertain significance for Infantile neuroaxonal dystrophy. Last evaluated: 2022-08-08. Review status: criteria provided, single submitter. Criteria: Invitae Variant Classification Sherloc (09022015). Collection method: clinical testing. Allele origin: germline.
Comment: This variant is not present in population databases (gnomAD no frequency). This sequence change replaces alanine, which is neutral and non-polar, with proline, which is neutral and non-polar, at codon 464 of the PLA2G6 protein (p.Ala464Pro). This variant has not been reported in the literature in individuals affected with PLA2G6-related conditions. In summary, the available evidence is currently insufficient to determine the role of this variant in disease. Therefore, it has been classified as a Variant of Uncertain Significance. Advanced modeling of protein sequence and biophysical properties (such as structural, functional, and spatial information, amino acid conservation, physicochemical variation, residue mobility, and thermodynamic stability) performed at Invitae indicates that this missense variant is not expected to disrupt PLA2G6 protein function. ClinVar contains an entry for this variant (Variation ID: 1385453).